The following is an entry in ClinVar:

NM_000443.4(ABCB4):c.760G>A (p.Ala254Thr)

Gene: ABCB4 (ATP binding cassette subfamily B member 4; minus strand). Cytogenetic location: 7q21.12.
Variant type: single nucleotide variant.
Coding change: c.760G>A on transcript NM_000443.4 (MANE Select); coding-DNA position 760, G replaced by A.
Protein change: p.Ala254Thr; replaces alanine 254 with threonine.
Molecular consequence: missense variant.
Genome position (GRCh38, 1-based): chr7:87,450,041, C>T on the plus strand (G>A on the coding strand, the complement: ABCB4 is on the minus strand). VCF-style: chr7-87450041-C-T. GRCh37 (hg19) VCF-style: chr7-87079357-C-T.
Other names: c.760G>A (NM_000443.3); c.760G>A, p.Ala254Thr (NM_018849.3, NM_018850.3); short protein forms A254T.
Identifiers: ClinVar variation 284078 (VCV000284078.14), dbSNP rs147998447, ClinGen allele CA4327465.

ClinVar aggregate classification (germline): Uncertain significance. Review status: criteria provided, multiple submitters, no conflicts (2 of 4 stars). 7 submissions from 7 submitters: Uncertain significance (7). Last evaluated 2026-09-10.

Conditions:
Progressive familial intrahepatic cholestasis type 3. Also called: Low Gamma-GT Familial Intrahepatic Cholestasis; MDR3 DEFICIENCY. Identifiers: Orphanet 79305, MedGen C1865643, MONDO:0011214, OMIM 602347.
Familial intrahepatic cholestasis. Identifiers: Orphanet 284385, MedGen CN296401, MONDO:0017290.
Low phospholipid associated cholelithiasis (GBD1). Also called: Gallstone cholecystitis; Gallbladder disease 1. Identifiers: Orphanet 69663, MedGen C2609268, MONDO:0010939, OMIM 600803.
ABCB4-related disorder. Also called: ABCB4-related disorders; ABCB4-related condition.
Inborn genetic diseases. Identifiers: MedGen C0950123, MeSH D030342.

Allele frequency attached by ClinVar (database versions not stated): ExAC 0.00011; 1000 Genomes Project 0.00080; gnomAD exomes 0.00008 and 0.00004; gnomAD 0.00023; TOPMed 0.00028; ESP Exome Variant Server 0.00023; 1000 Genomes Project 30x 0.00078.
gnomAD v4.1: 98 of 1,614,174 alleles (0.0061%); highest among the groups gnomAD compares: African/African-American, 0.096%; no homozygotes.

Submissions (7):

Ambry Genetics
Classification: Uncertain significance for Inborn genetic diseases. Last evaluated: 2026-09-10. Review status: criteria provided, single submitter. Criteria: Ambry Variant Classification Scheme 2023. Collection method: clinical testing. Allele origin: germline.
Comment: The c.760G>A (p.A254T) alteration is located in exon 8 (coding exon 7) of the ABCB4 gene. This alteration results from a G to A substitution at nucleotide position 760, causing the alanine (A) at amino acid position 254 to be replaced by a threonine (T). Based on data from gnomAD, the A allele has an overall frequency of 0.009% (26/282574) total alleles studied. The highest observed frequency was 0.08% (20/24970) of African alleles. This variant was reported in individuals with features consistent with ABCB4 deficiency; in at least one instance, this variant was also identified in a homozygous state in individuals with features consistent with ABCB4 deficiency (Goldschmidt 2016; de Vries 2020; Ambry internal data). This amino acid position is highly conserved in available vertebrate species. The in silico prediction for this alteration is inconclusive. Based on insufficient or conflicting evidence, the clinical significance of this alteration remains unclear.

PreventionGenetics, part of Exact Sciences
Classification: Uncertain significance for ABCB4-related condition. Last evaluated: 2026-06-15. Review status: criteria provided, single submitter. Criteria: ACMG Guidelines, 2015. Collection method: clinical testing. Allele origin: germline.
Comment: The ABCB4 c.760G>A variant is predicted to result in the amino acid substitution p.Ala254Thr. This variant has been reported in the compound heterozygous state in an individual with MRD3 deficiency; however, the significance of the variant detected on the opposite allele (p.Gly773Val) is uncertain ( Hertel et al 2021. PubMed ID: 34016879). This variant has been observed internally, with and without additional pathogenic ABCB4 variants in multiple individuals tested for cholestasis (Internal data, PreventionGenetics). The p.Ala254Thr variant is reported in 0.080% of alleles in individuals of African descent in gnomAD. At this time, the clinical significance of this variant is uncertain due to the absence of conclusive functional and genetic evidence.

Genomenon, Inc
Classification: Uncertain significance for Familial intrahepatic cholestasis; Low phospholipid associated cholelithiasis. Last evaluated: 2026-04-14. Review status: criteria provided, single submitter. Criteria: Genomenon Sequence Variant Interpretation Standards - Updated. Collection method: curation. Allele origin: germline. Affected: yes.
Comment: ABCB4 p.Ala254Thr (c.760G>A) is a missense variant that changes the amino acid at residue 254 from Alanine to Threonine. This variant has been observed in at least one proband with an ABCB4-related disorder (PMID:34016879;32893960). In conclusion, we classify ABCB4 p.Ala254Thr (c.760G>A) as a variant of uncertain significance.

GeneDx
Classification: Uncertain significance. Last evaluated: 2025-12-22. Review status: criteria provided, single submitter. Criteria: GeneDx Variant Classification Process June 2021. Collection method: clinical testing. Allele origin: germline.
Comment: In silico analysis supports that this missense variant has a deleterious effect on protein structure/function; Observed with other ABCB4 variants in patients with variable hepatic dysfunction in the literature; however, details regarding segregation and/or molecular testing methods were not specified (PMID: 34016879, 32893960, 35894240); This variant is associated with the following publications: (PMID: 35894240, 32893960, 34016879)

Johns Hopkins Genomics, Johns Hopkins University
Classification: Uncertain significance for Progressive familial intrahepatic cholestasis type 3. Last evaluated: 2025-02-09. Review status: criteria provided, single submitter. Criteria: ACMG Guidelines, 2015. Collection method: clinical testing. Allele origin: germline.
Comment: The clinical significance of this variant is uncertain (PM2, PP3).

Labcorp Genetics (formerly Invitae), Labcorp
Classification: Uncertain significance. Last evaluated: 2024-02-01. Review status: criteria provided, single submitter. Criteria: Invitae Variant Classification Sherloc (09022015). Collection method: clinical testing. Allele origin: germline.
Comment: This sequence change replaces alanine, which is neutral and non-polar, with threonine, which is neutral and polar, at codon 254 of the ABCB4 protein (p.Ala254Thr). This variant is present in population databases (rs147998447, gnomAD 0.08%). This missense change has been observed in individual(s) with ABCB4-related conditions (PMID: 32893960, 34016879, 35894240). ClinVar contains an entry for this variant (Variation ID: 284078). Advanced modeling of protein sequence and biophysical properties (such as structural, functional, and spatial information, amino acid conservation, physicochemical variation, residue mobility, and thermodynamic stability) has been performed at Invitae for this missense variant, however the output from this modeling did not meet the statistical confidence thresholds required to predict the impact of this variant on ABCB4 protein function. In summary, the available evidence is currently insufficient to determine the role of this variant in disease. Therefore, it has been classified as a Variant of Uncertain Significance.

Eurofins Ntd Llc (ga)
Classification: Uncertain significance. Last evaluated: 2017-11-01. Review status: criteria provided, single submitter. Criteria: EGL Classification Definitions 2015. Collection method: clinical testing. Allele origin: germline. Observed: 9 variant alleles, 7 heterozygotes, 2 homozygotes.

Literature cited by the submitters: PubMed 9419367 (cited by Ambry Genetics); PubMed 26126923 (cited by Ambry Genetics); PubMed 32893960 (cited by 4 submitters); PubMed 34016879 (cited by 3 submitters); PubMed 35894240 (cited by Johns Hopkins Genomics, Johns Hopkins University and Labcorp Genetics (formerly Invitae), Labcorp).